The following is an entry in ClinVar:

ClinVar aggregate classification (germline): Likely benign (1 of 4 stars; one submission).

Conditions:
ADCY3-related disorder. Also called: ADCY3-related condition.

gnomAD v4.1: 1 of 1,611,584 alleles (0.000062%); highest among the groups gnomAD compares: Admixed American, 0.0017%; no homozygotes.

Submission:

PreventionGenetics, part of Exact Sciences
Classification: Likely benign for ADCY3-related condition. Last evaluated: 2025-12-17. Review status: criteria provided, single submitter. Criteria: ACMG Guidelines, 2015. Collection method: clinical testing. Allele origin: germline.
Comment: This variant is classified as likely benign based on ACMG/AMP sequence variant interpretation guidelines (Richards et al. 2015 PMID: 25741868, with internal and published modifications).

NM_004036.5(ADCY3):c.1805+8C>T

Gene: ADCY3 (adenylate cyclase 3; minus strand). Cytogenetic location: 2p23.3.
Variant type: single nucleotide variant.
Coding change: c.1805+8C>T on transcript NM_004036.5 (MANE Select); 8 bases into the intron after coding-DNA position 1805, C replaced by T.
Molecular consequence: intron variant.
Genome position (GRCh38, 1-based): chr2:24,834,786, G>A on the plus strand (C>T on the coding strand, the complement: ADCY3 is on the minus strand). VCF-style: chr2-24834786-G-A. GRCh37 (hg19) VCF-style: chr2-25057655-G-A.
Other names: c.1805+8C>T (NM_001377130.1, NM_001377129.1, NM_001320613.2 and 1 more transcripts); c.1871+8C>T (NM_001377128.1); c.1082+8C>T (NM_001377131.1).
Identifiers: ClinVar variation 4993817 (VCV004993817.1).